The following is an entry in ClinVar:

NM_001199799.2(ILDR1):c.73C>G (p.Leu25Val)

Gene: ILDR1 (immunoglobulin like domain containing receptor 1; minus strand). Cytogenetic location: 3q13.33.
Variant type: single nucleotide variant.
Coding change: c.73C>G on transcript NM_001199799.2 (MANE Select); coding-DNA position 73, C replaced by G.
Protein change: p.Leu25Val; replaces leucine 25 with valine.
Molecular consequence: missense variant.
Genome position (GRCh38, 1-based): chr3:122,007,147, G>C on the plus strand (C>G on the coding strand, the complement: ILDR1 is on the minus strand). VCF-style: chr3-122007147-G-C. GRCh37 (hg19) VCF-style: chr3-121725994-G-C.
Other names: c.73C>G, p.Leu25Val (NM_001199800.2, NM_175924.4); short protein forms L25V.
Identifiers: ClinVar variation 179923 (VCV000179923.4), dbSNP rs727505226, ClinGen allele CA185437.

ClinVar aggregate classification (germline): Uncertain significance (1 of 4 stars; one submission).

Allele frequency attached by ClinVar (database versions not stated): ExAC 0.00001; gnomAD exomes 0.00001.
gnomAD v4.1: 9 of 1,614,176 alleles (0.00056%); highest among the groups gnomAD compares: Middle Eastern, 0.049%; no homozygotes.

Submission:

Laboratory for Molecular Medicine, Mass General Brigham Personalized Medicine
Classification: Uncertain significance. Last evaluated: 2014-09-04. Review status: criteria provided, single submitter. Criteria: LMM Criteria. Collection method: clinical testing. Allele origin: germline. Observed: 1 variant allele.
Comment: The Leu25Val variant in ILDR1 has not been previously reported in individuals wi th hearing loss and was absent from large population studies. Computational pred iction tools and conservation analyses do not provide strong support for or agai nst an impact to the protein. In summary, the clinical significance of the Leu25 Val variant is uncertain.